The following is an entry in ClinVar:

ClinVar aggregate classification (germline): Uncertain significance (1 of 4 stars; one submission).

gnomAD v4.1: 10 of 1,487,048 alleles (0.00067%); highest among the groups gnomAD compares: Non-Finnish European, 0.00089%; no homozygotes.

Submission:

Labcorp Genetics (formerly Invitae), Labcorp
Classification: Uncertain significance. Last evaluated: 2024-06-26. Review status: criteria provided, single submitter. Criteria: Invitae Variant Classification Sherloc (09022015). Collection method: clinical testing. Allele origin: germline.
Comment: This sequence change replaces leucine, which is neutral and non-polar, with valine, which is neutral and non-polar, at codon 12 of the SOX10 protein (p.Leu12Val). This variant is not present in population databases (gnomAD no frequency). This variant has not been reported in the literature in individuals affected with SOX10-related conditions. An algorithm developed to predict the effect of missense changes on protein structure and function (PolyPhen-2) suggests that this variant is likely to be tolerated. Algorithms developed to predict the effect of sequence changes on RNA splicing suggest that this variant may create or strengthen a splice site. In summary, the available evidence is currently insufficient to determine the role of this variant in disease. Therefore, it has been classified as a Variant of Uncertain Significance.

NM_006941.4(SOX10):c.34C>G (p.Leu12Val)

Genes: POLR2F (RNA polymerase II, I and III subunit F; plus strand), SOX10 (SRY-box transcription factor 10; minus strand). Cytogenetic location: 22q13.1.
Variant type: single nucleotide variant.
Coding change: c.34C>G on transcript NM_006941.4 (MANE Select); coding-DNA position 34, C replaced by G.
Protein change: p.Leu12Val; replaces leucine 12 with valine.
Molecular consequence: missense variant. On other transcripts: intron variant (3).
Genome position (GRCh38, 1-based): chr22:37,983,751, G>C on the plus strand (C>G on the coding strand, the complement: SOX10 is on the minus strand). VCF-style: chr22-37983751-G-C. GRCh37 (hg19) VCF-style: chr22-38379758-G-C.
Other names: c.*38+11441G>C (NM_001363825.1); c.294-2403G>C (NM_001301130.2); c.293+16581G>C (NM_001301131.2); short protein forms L12V.
Identifiers: ClinVar variation 3605709 (VCV003605709.2).